The following is an entry in ClinVar:

ClinVar aggregate classification (germline): Uncertain significance (1 of 4 stars; one submission).

Conditions:
Spermatogenic failure 18. Identifiers: MedGen C4539783, MONDO:0054615, OMIM 617576.
Ciliary dyskinesia, primary, 37 (CILD37). Also called: CILIARY DYSKINESIA, PRIMARY, 37, WITH OR WITHOUT SITUS INVERSUS. Identifiers: MedGen C4539798, MONDO:0033204, OMIM 617577.

Allele frequency attached by ClinVar (database versions not stated): TOPMed 0.00002.
gnomAD v4.1: 8 of 1,613,540 alleles (0.0005%); highest among the groups gnomAD compares: East Asian, 0.0089%; no homozygotes.

Submission:

Labcorp Genetics (formerly Invitae), Labcorp
Classification: Uncertain significance for Ciliary dyskinesia, primary, 37; Spermatogenic failure 18. Last evaluated: 2021-08-28. Review status: criteria provided, single submitter. Criteria: Invitae Variant Classification Sherloc (09022015). Collection method: clinical testing. Allele origin: germline.
Comment: This sequence change replaces glycine with arginine at codon 3125 of the DNAH1 protein (p.Gly3125Arg). The glycine residue is moderately conserved and there is a moderate physicochemical difference between glycine and arginine. This variant is not present in population databases (ExAC no frequency). This variant has not been reported in the literature in individuals affected with DNAH1-related conditions. Algorithms developed to predict the effect of missense changes on protein structure and function are either unavailable or do not agree on the potential impact of this missense change (SIFT: "Deleterious"; PolyPhen-2: "Probably Damaging"; Align-GVGD: "Class C0"). Algorithms developed to predict the effect of sequence changes on RNA splicing suggest that this variant may create or strengthen a splice site. In summary, the available evidence is currently insufficient to determine the role of this variant in disease. Therefore, it has been classified as a Variant of Uncertain Significance.

NM_015512.5(DNAH1):c.9373G>A (p.Gly3125Arg)

Gene: DNAH1 (dynein axonemal heavy chain 1; plus strand). Cytogenetic location: 3p21.1.
Variant type: single nucleotide variant.
Coding change: c.9373G>A on transcript NM_015512.5 (MANE Select); coding-DNA position 9373, G replaced by A.
Protein change: p.Gly3125Arg; replaces glycine 3125 with arginine.
Molecular consequence: missense variant.
Genome position (GRCh38, 1-based): chr3:52,388,815, G>A. VCF-style: chr3-52388815-G-A. GRCh37 (hg19) VCF-style: chr3-52422831-G-A.
Other names: short protein forms G3125R.
Identifiers: ClinVar variation 565363 (VCV000565363.3), dbSNP rs374687152, ClinGen allele CA353195428.